The following is an entry in ClinVar:

ClinVar aggregate classification (germline): Benign (1 of 4 stars; one submission).

Conditions:
Hyperekplexia 2 (HKPX2). Identifiers: Orphanet 3197, MedGen C3553291, MONDO:0013828, OMIM 614619.

Allele frequency attached by ClinVar (database versions not stated): gnomAD exomes 0.00027; 1000 Genomes Project 0.00060; 1000 Genomes Project 30x 0.00062; TOPMed 0.00153.
gnomAD v4.1: 192 of 172,130 alleles (0.11%); highest among the groups gnomAD compares: African/African-American, 0.38%; no homozygotes.

Submission:

Illumina Laboratory Services, Illumina
Classification: Benign for Hyperekplexia 2. Last evaluated: 2018-01-12. Review status: criteria provided, single submitter. Criteria: ICSL Variant Classification Criteria 13 December 2019. Collection method: clinical testing. Allele origin: germline.
Comment: This variant was observed in the ICSL laboratory as part of a predisposition screen in an ostensibly healthy population. It had not been previously curated by ICSL or reported in the Human Gene Mutation Database (HGMD: prior to June 1st, 2018), and was therefore a candidate for classification through an automated scoring system. Utilizing variant allele frequency, disease prevalence and penetrance estimates, and inheritance mode, an automated score was calculated to assess if this variant is too frequent to cause the disease. Based on the score and internal cut-off values, a variant classified as benign is not then subjected to further curation. The score for this variant resulted in a classification of benign for this disease.

NM_000824.5(GLRB):c.*334T>C

Gene: GLRB (glycine receptor beta; plus strand). Cytogenetic location: 4q32.1.
Variant type: single nucleotide variant.
Coding change: c.*334T>C on transcript NM_000824.5 (MANE Select); 334 bases downstream of the stop codon, T replaced by C.
Molecular consequence: 3 prime UTR variant.
Genome position (GRCh38, 1-based): chr4:157,171,062, T>C. VCF-style: chr4-157171062-T-C. GRCh37 (hg19) VCF-style: chr4-158092214-T-C.
Other names: c.*334T>C (NM_001166060.2); c.*623T>C (NM_001166061.2).
Identifiers: ClinVar variation 901841 (VCV000901841.4), dbSNP rs188807631, ClinGen allele CA109167837.